The following is an entry in ClinVar:

ClinVar aggregate classification (germline): Uncertain significance (1 of 4 stars; one submission).

Conditions:
Spastic paraplegia. Identifiers: MedGen C0037772, HP:0001258.

gnomAD v4.1: 1 of 1,614,046 alleles (0.000062%); highest among the groups gnomAD compares: Non-Finnish European, 0.000085%; no homozygotes.

Submission:

Labcorp Genetics (formerly Invitae), Labcorp
Classification: Uncertain significance for Spastic paraplegia. Last evaluated: 2024-02-16. Review status: criteria provided, single submitter. Criteria: Invitae Variant Classification Sherloc (09022015). Collection method: clinical testing. Allele origin: germline.
Comment: This sequence change replaces aspartic acid, which is acidic and polar, with glutamic acid, which is acidic and polar, at codon 290 of the KIF5A protein (p.Asp290Glu). This variant is not present in population databases (gnomAD no frequency). This variant has not been reported in the literature in individuals affected with KIF5A-related conditions. Advanced modeling of protein sequence and biophysical properties (such as structural, functional, and spatial information, amino acid conservation, physicochemical variation, residue mobility, and thermodynamic stability) performed at Invitae indicates that this missense variant is not expected to disrupt KIF5A protein function with a negative predictive value of 95%. In summary, the available evidence is currently insufficient to determine the role of this variant in disease. Therefore, it has been classified as a Variant of Uncertain Significance.

NM_004984.4(KIF5A):c.870C>G (p.Asp290Glu)

Gene: KIF5A (kinesin family member 5A; plus strand). Cytogenetic location: 12q13.3.
Variant type: single nucleotide variant.
Coding change: c.870C>G on transcript NM_004984.4 (MANE Select); coding-DNA position 870, C replaced by G.
Protein change: p.Asp290Glu; replaces aspartic acid 290 with glutamic acid.
Molecular consequence: missense variant.
Genome position (GRCh38, 1-based): chr12:57,569,306, C>G. VCF-style: chr12-57569306-C-G. GRCh37 (hg19) VCF-style: chr12-57963089-C-G.
Other names: c.603C>G, p.Asp201Glu (NM_001354705.2); short protein forms D201E, D290E.
Identifiers: ClinVar variation 3637606 (VCV003637606.2).
Genomic context (GRCh38, chr12:57,569,306, plus strand): 5'-CCTCCCCCAGAAAAGCTATGTTCCATATCGTGACAGCAAAATGACAAGGATTCTCCAGGA[C>G]TCTCTCGGGGGAAACTGCCGGACGACTATGTTCATCTGTTGCTCACCATCCAGTTATAAT-3'
Protein context (NP_004975.2, residues 280-300): RDSKMTRILQ[Asp290Glu]SLGGNCRTTM